The following is an entry in ClinVar:

ClinVar aggregate classification (germline): Uncertain significance (0 of 4 stars; one submission).

Conditions:
Prostate cancer. Also called: Malignant tumor of prostate. Identifiers: Orphanet 1331, MedGen C0376358, MONDO:0008315, HP:0012125.

Submission:

Science for Life laboratory,  Karolinska Institutet
Classification: Uncertain significance for Malignant tumor of prostate. Review status: no assertion criteria provided. Collection method: not provided. Allele origin: somatic.
Comment: TumorID:SWE-18
ClinVar note: Converted during submission from Unknown to Uncertain significance.

NM_015373.4(CBY1):c.346C>G (p.Leu116Val)

Gene: CBY1 (chibby 1, beta catenin antagonist; plus strand). Cytogenetic location: 22q13.1.
Variant type: single nucleotide variant.
Coding change: c.346C>G on transcript NM_015373.4 (MANE Select); coding-DNA position 346, C replaced by G.
Protein change: p.Leu116Val; replaces leucine 116 with valine.
Molecular consequence: missense variant.
Genome position (GRCh38, 1-based): chr22:38,673,201, C>G. VCF-style: chr22-38673201-C-G. GRCh37 (hg19) VCF-style: chr22-39069206-C-G.
Other names: c.346C>G, p.Leu116Val (NM_001002880.4); short protein forms L116V.
Identifiers: ClinVar variation 161693 (VCV000161693.2), dbSNP rs193920893, ClinGen allele CA021476.
Genomic context (GRCh38, chr22:38,673,201, plus strand): 5'-CCGCTGCTTCACTTTCAGCTTTCAGAGTCCACTGCTGAATCCCACTTAATGGAGAAGGAA[C>G]TGGATGAACTGAGGATCAGCCGGAAGAGAAAATGAAGACCCCAGAGACATTTATTGGGGA-3'
Protein context (NP_056188.1, residues 106-126): TAESHLMEKE[Leu116Val]DELRISRKRK